The following is an entry in ClinVar:

ClinVar aggregate classification (germline): Conflicting classifications of pathogenicity. Review status: criteria provided, conflicting classifications (1 of 4 stars). 6 submissions from 5 submitters: Uncertain significance (5); Likely benign (1). Last evaluated 2025-01-08.

Conditions:
Type 2 collagenopathy. Identifiers: Orphanet 93421, MedGen C2931073, MONDO:0022800.
Stickler syndrome type 1 (STL1). Also called: STICKLER SYNDROME, MEMBRANOUS VITREOUS TYPE; STICKLER SYNDROME, VITREOUS TYPE 1; ARTHROOPHTHALMOPATHY, HEREDITARY PROGRESSIVE; COL2A1-Related Stickler Syndrome. Identifiers: Orphanet 828, Orphanet 90653, MedGen C2020284, MONDO:0007160, OMIM 108300.
Connective tissue disorder. Also called: Connective tissue disease. Identifiers: MedGen C0009782, MONDO:0003900.

Allele frequency attached by ClinVar (database versions not stated): TOPMed below 0.00001; gnomAD exomes 0.00001; ExAC 0.00002; ESP Exome Variant Server 0.00008.
gnomAD v4.1: 27 of 1,613,992 alleles (0.0017%); highest among the groups gnomAD compares: Non-Finnish European, 0.0023%; no homozygotes.

Submissions (6):

Labcorp Genetics (formerly Invitae), Labcorp
Classification: Likely benign. Last evaluated: 2025-01-08. Review status: criteria provided, single submitter. Criteria: Invitae Variant Classification Sherloc (09022015). Collection method: clinical testing. Allele origin: germline.

Blueprint Genetics
Classification: Uncertain significance. Last evaluated: 2021-07-21. Review status: criteria provided, single submitter. Criteria: ACMG Guidelines, 2015. Collection method: clinical testing. Allele origin: germline.

Genome Diagnostics Laboratory, The Hospital for Sick Children
Classification: Uncertain significance for Connective tissue disorder. Last evaluated: 2020-04-01. Review status: criteria provided, single submitter. Criteria: ACMG Guidelines, 2015. Collection method: clinical testing. Allele origin: germline.

GeneDx
Classification: Uncertain significance. Last evaluated: 2019-05-24. Review status: criteria provided, single submitter. Criteria: GeneDx Variant Classification Process June 2021. Collection method: clinical testing. Allele origin: germline. Affected: yes.
Comment: Not observed at a significant frequency in large population cohorts (Lek et al., 2016); In silico analysis, which includes protein predictors and evolutionary conservation, supports a deleterious effect; Has not been previously published as pathogenic or benign to our knowledge

Illumina Laboratory Services, Illumina
Classification: Uncertain significance for Stickler syndrome type 1. Last evaluated: 2017-04-27. Review status: criteria provided, single submitter. Criteria: ICSL Variant Classification Criteria 13 December 2019. Collection method: clinical testing. Allele origin: germline.

Illumina Laboratory Services, Illumina
Classification: Uncertain significance for Type II Collagenopathies. Last evaluated: 2017-04-27. Review status: criteria provided, single submitter. Criteria: ICSL Variant Classification Criteria 13 December 2019. Collection method: clinical testing. Allele origin: germline.

NM_001844.5(COL2A1):c.2909C>T (p.Pro970Leu)

Gene: COL2A1 (collagen type II alpha 1 chain; minus strand). Cytogenetic location: 12q13.11.
Variant type: single nucleotide variant.
Coding change: c.2909C>T on transcript NM_001844.5 (MANE Select); coding-DNA position 2909, C replaced by T.
Protein change: p.Pro970Leu; replaces proline 970 with leucine.
Molecular consequence: missense variant.
Genome position (GRCh38, 1-based): chr12:47,978,385, G>A on the plus strand (C>T on the coding strand, the complement: COL2A1 is on the minus strand). VCF-style: chr12-47978385-G-A. GRCh37 (hg19) VCF-style: chr12-48372168-G-A.
Other names: c.2702C>T, p.Pro901Leu (NM_033150.3); short protein forms P970L, P901L.
Identifiers: ClinVar variation 839628 (VCV000839628.18), dbSNP rs371268468, ClinGen allele CA6534948.
Genomic context (GRCh38, chr12:47,978,385, plus strand): 5'-CCACGTTGCCCAGGCAGACCGACGATGCCTCTCTGACCAGCCAGACCCTGGGGACCTGGT[G>A]GACCTTCGGCACCCTGAGAGAGGAGAGGCAGGAGATGAGAACTGACAGTGGCCCAGCCTC-3'
Protein context (NP_001835.3, residues 960-980): GDDGPSGAEG[Pro970Leu]PGPQGLAGQR